The following is an entry in ClinVar:

NM_000135.4(FANCA):c.2371C>G (p.Leu791Val)

Gene: FANCA (FA complementation group A; minus strand). Cytogenetic location: 16q24.3.
Variant type: single nucleotide variant.
Coding change: c.2371C>G on transcript NM_000135.4 (MANE Select); coding-DNA position 2371, C replaced by G.
Protein change: p.Leu791Val; replaces leucine 791 with valine.
Molecular consequence: missense variant.
Genome position (GRCh38, 1-based): chr16:89,769,970, G>C on the plus strand (C>G on the coding strand, the complement: FANCA is on the minus strand). VCF-style: chr16-89769970-G-C. GRCh37 (hg19) VCF-style: chr16-89836378-G-C.
Other names: c.2371C>G, p.Leu791Val (NM_001286167.3); short protein forms L791V.
Identifiers: ClinVar variation 2112165 (VCV002112165.4), dbSNP rs541949982, ClinGen allele CA397444193.

ClinVar aggregate classification (germline): Uncertain significance (1 of 4 stars; one submission).

Conditions:
Fanconi anemia (FA). Also called: Fanconi's anemia. Identifiers: Orphanet 84, MedGen C0015625, MeSH D005199, MONDO:0019391.

gnomAD v4.1: 1 of 1,614,048 alleles (0.000062%); no homozygotes.

Submission:

Labcorp Genetics (formerly Invitae), Labcorp
Classification: Uncertain significance for Fanconi anemia. Last evaluated: 2022-03-14. Review status: criteria provided, single submitter. Criteria: Invitae Variant Classification Sherloc (09022015). Collection method: clinical testing. Allele origin: germline.
Comment: This variant is not present in population databases (gnomAD no frequency). In summary, the available evidence is currently insufficient to determine the role of this variant in disease. Therefore, it has been classified as a Variant of Uncertain Significance. Advanced modeling of protein sequence and biophysical properties (such as structural, functional, and spatial information, amino acid conservation, physicochemical variation, residue mobility, and thermodynamic stability) performed at Invitae indicates that this missense variant is expected to disrupt FANCA protein function. This variant has not been reported in the literature in individuals affected with FANCA-related conditions. This sequence change replaces leucine, which is neutral and non-polar, with valine, which is neutral and non-polar, at codon 791 of the FANCA protein (p.Leu791Val).